The following is an entry in ClinVar:

NM_000878.5(IL2RB):c.1348G>A (p.Ala450Thr)

Gene: IL2RB (interleukin 2 receptor subunit beta; minus strand). Cytogenetic location: 22q12.3.
Variant type: single nucleotide variant.
Coding change: c.1348G>A on transcript NM_000878.5 (MANE Select); coding-DNA position 1348, G replaced by A.
Protein change: p.Ala450Thr; replaces alanine 450 with threonine.
Molecular consequence: missense variant.
Genome position (GRCh38, 1-based): chr22:37,128,404, C>T on the plus strand (G>A on the coding strand, the complement: IL2RB is on the minus strand). VCF-style: chr22-37128404-C-T. GRCh37 (hg19) VCF-style: chr22-37524444-C-T.
Other names: c.1348G>A, p.Ala450Thr (NM_001346222.1, NM_001346223.2); c.1348G>A (NM_000878.2); short protein forms A450T.
Identifiers: ClinVar variation 1509570 (VCV001509570.4), dbSNP rs371167679, ClinGen allele CA10216351.
Genomic context (GRCh38, chr22:37,128,404, plus strand): 5'-GGGGGTCCCAGTCTCTGGGGACTCTTTCTTGCAAAGAAGGGGGCATCCTCTCTTCACCGG[C>T]CCCACTGCCCCCAGGGGCAGTGCTTGGGGGGCTGGGGCCACCGAGGAGACTGGGGGAGAA-3'
Protein context (NP_000869.1, residues 440-460): PPSTAPGGSG[Ala450Thr]GEERMPPSLQ

ClinVar aggregate classification (germline): Uncertain significance. Review status: criteria provided, multiple submitters, no conflicts (2 of 4 stars). 2 submissions from 2 submitters: Uncertain significance (2). Last evaluated 2025-06-10.

Allele frequency attached by ClinVar (database versions not stated): ExAC 0.00002; gnomAD 0.00003; ESP Exome Variant Server 0.00008; gnomAD exomes 0.00016 and 0.00002; TOPMed 0.00003.
gnomAD v4.1: 216 of 1,511,952 alleles (0.014%); highest among the groups gnomAD compares: Non-Finnish European, 0.018%; no homozygotes.

Submissions (2):

Ambry Genetics
Classification: Uncertain significance. Last evaluated: 2025-06-10. Review status: criteria provided, single submitter. Criteria: Ambry Variant Classification Scheme 2023. Collection method: clinical testing. Allele origin: germline.

Labcorp Genetics (formerly Invitae), Labcorp
Classification: Uncertain significance. Last evaluated: 2022-07-06. Review status: criteria provided, single submitter. Criteria: Invitae Variant Classification Sherloc (09022015). Collection method: clinical testing. Allele origin: germline.
Comment: This sequence change replaces alanine, which is neutral and non-polar, with threonine, which is neutral and polar, at codon 450 of the IL2RB protein (p.Ala450Thr). The frequency data for this variant in the population databases is considered unreliable, as metrics indicate poor data quality at this position in the gnomAD database. This variant has not been reported in the literature in individuals affected with IL2RB-related conditions. ClinVar contains an entry for this variant (Variation ID: 1509570). Algorithms developed to predict the effect of missense changes on protein structure and function output the following: SIFT: "Tolerated"; PolyPhen-2: "Benign"; Align-GVGD: "Class C0". The threonine amino acid residue is found in multiple mammalian species, which suggests that this missense change does not adversely affect protein function. In summary, the available evidence is currently insufficient to determine the role of this variant in disease. Therefore, it has been classified as a Variant of Uncertain Significance.